The following is an entry in ClinVar:

NM_015404.4(WHRN):c.1048C>T (p.Arg350Trp)

Gene: WHRN (whirlin; minus strand). Cytogenetic location: 9q32.
Variant type: single nucleotide variant.
Coding change: c.1048C>T on transcript NM_015404.4 (MANE Select); coding-DNA position 1048, C replaced by T.
Protein change: p.Arg350Trp; replaces arginine 350 with tryptophan.
Molecular consequence: missense variant. On other transcripts: 5 prime UTR variant (1).
Genome position (GRCh38, 1-based): chr9:114,426,329, G>A on the plus strand (C>T on the coding strand, the complement: WHRN is on the minus strand). VCF-style: chr9-114426329-G-A. GRCh37 (hg19) VCF-style: chr9-117188609-G-A.
Other names: c.-102C>T (NM_001083885.3); c.1048C>T, p.Arg350Trp (NM_001173425.2); short protein forms R350W.
Identifiers: ClinVar variation 178337 (VCV000178337.26), dbSNP rs142990800, ClinGen allele CA182134.
Genomic context (GRCh38, chr9:114,426,329, plus strand): 5'-CCACAGTGGTGCGGGCATGGGGCAGCCTCCCGACGTCCTTCACTGTCAGGATGAGGTGCC[G>A]AGATGACTTAAGCAGCCTGACAGCCTCGTCGTGTAGGATGTTGAGAAAGCTCCGCCCATT-3'
Protein context (NP_056219.3, residues 340-360): DEAVRLLKSS[Arg350Trp]HLILTVKDVG

ClinVar aggregate classification (germline): Conflicting classifications of pathogenicity. Review status: criteria provided, conflicting classifications (1 of 4 stars). 6 submissions from 6 submitters: Uncertain significance (1); Likely benign (4). 1 of the submissions does not count toward it. Last evaluated 2026-01-26.

Conditions:
WHRN-related disorder. Also called: WHRN-related condition.

Allele frequency attached by ClinVar (database versions not stated): gnomAD exomes 0.00014 and 0.00035; ExAC 0.00049; ESP Exome Variant Server 0.00123; TOPMed 0.00132; gnomAD 0.00135 and 0.00147; 1000 Genomes Project 0.00140; 1000 Genomes Project 30x 0.00156.
gnomAD v4.1: 418 of 1,613,976 alleles (0.026%); highest among the groups gnomAD compares: African/African-American, 0.5%; 3 homozygotes.

Submissions (6):

Labcorp Genetics (formerly Invitae), Labcorp
Classification: Likely benign. Last evaluated: 2026-01-26. Review status: criteria provided, single submitter. Criteria: Invitae Variant Classification Sherloc (09022015). Collection method: clinical testing. Allele origin: germline.

Blueprint Genetics
Classification: Likely benign. Last evaluated: 2024-08-21. Review status: criteria provided, single submitter. Criteria: ACMG Guidelines, 2015. Collection method: clinical testing. Allele origin: germline.

GeneDx
Classification: Likely benign. Last evaluated: 2021-05-17. Review status: criteria provided, single submitter. Criteria: GeneDx Variant Classification Process June 2021. Collection method: clinical testing. Allele origin: germline. Affected: yes.
Comment: This variant is associated with the following publications: (PMID: 20352026, 30245029)

ARUP Laboratories, Molecular Genetics and Genomics, ARUP Laboratories
Classification: Uncertain significance. Last evaluated: 2017-09-05. Review status: criteria provided, single submitter. Criteria: ARUP Molecular Germline Variant Investigation Process. Collection method: clinical testing. Allele origin: germline.
Comment: The p.Arg350Trp variant is listed in the Genome Aggregation Database (gnomAD) browser with an allele frequency of 0.53% in the African population (identified in 128 out of 23,990 chromosomes; 1 homozygote), and is classified as likely benign in ClinVar (Variant ID: 178337). The arginine at codon 350 is moderately conserved considering 12 species (Alamut software v2.9.0), but computational analyses suggest that this variant affects the WHRN protein structure/function (SIFT: damaging, PolyPhen2: possibly damaging, MutationTaster: disease causing). While this variant appears to be a benign polymorphism in the African population, the available evidence is insufficient to classify the clinical significance of this variant with certainty.

Laboratory for Molecular Medicine, Mass General Brigham Personalized Medicine
Classification: Likely benign. Last evaluated: 2012-04-30. Review status: criteria provided, single submitter. Criteria: LMM Criteria. Collection method: clinical testing. Allele origin: germline. Observed: 1 variant allele.
Comment: Arg350Trp in Exon 04 of DFNB31: This variant is not expected to have clinical si gnificance because it has been identified in 0.4% (16/3738) of African American chromosomes from a broad population by the NHLBI Exome Sequencing Project (dbSNP rs142990800).

PreventionGenetics, part of Exact Sciences
Classification: Likely benign for WHRN-related condition. Last evaluated: 2023-01-31. Review status: no assertion criteria provided. Collection method: clinical testing. Allele origin: germline. Not counted in ClinVar's aggregate classification.
Comment: This variant is classified as likely benign based on ACMG/AMP sequence variant interpretation guidelines (Richards et al. 2015 PMID: 25741868, with internal and published modifications).